The following is an entry in ClinVar:

NM_003119.4(SPG7):c.1531G>A (p.Glu511Lys)

Gene: SPG7 (SPG7 matrix AAA peptidase subunit, paraplegin; plus strand). Cytogenetic location: 16q24.3.
Variant type: single nucleotide variant.
Coding change: c.1531G>A on transcript NM_003119.4 (MANE Select); coding-DNA position 1531, G replaced by A.
Protein change: p.Glu511Lys; replaces glutamic acid 511 with lysine.
Molecular consequence: missense variant.
Genome position (GRCh38, 1-based): chr16:89,546,739, G>A. VCF-style: chr16-89546739-G-A. GRCh37 (hg19) VCF-style: chr16-89613147-G-A.
Other names: c.1531G>A, p.Glu511Lys (NM_001363850.1); short protein forms E511K.
Identifiers: ClinVar variation 3362044 (VCV003362044.1).

ClinVar aggregate classification (germline): Uncertain significance (1 of 4 stars; one submission).

gnomAD v4.1: 1 of 1,612,284 alleles (0.000062%); highest among the groups gnomAD compares: Admixed American, 0.0017%; no homozygotes.

Submission:

GeneDx
Classification: Uncertain significance. Last evaluated: 2023-05-31. Review status: criteria provided, single submitter. Criteria: GeneDx Variant Classification Process June 2021. Collection method: clinical testing. Allele origin: germline. Affected: yes.
Comment: Not observed at significant frequency in large population cohorts (gnomAD); In silico analysis supports that this missense variant does not alter protein structure/function; Has not been previously published as pathogenic or benign to our knowledge